The following is an entry in ClinVar:

ClinVar aggregate classification (germline): Conflicting classifications of pathogenicity. Review status: criteria provided, conflicting classifications (1 of 4 stars). 3 submissions from 3 submitters: Likely pathogenic (1); Uncertain significance (2). Last evaluated 2025-08-12.

Conditions:
Intellectual developmental disorder, autosomal dominant 57. Also called: MENTAL RETARDATION, AUTOSOMAL DOMINANT 57; Intellectual disability, autosomal dominant 57. Identifiers: MedGen C4748003, MONDO:0054837, OMIM 618050.
TLK2-related disorder. Also called: TLK2-related condition.

gnomAD v4.1: 1 of 1,612,650 alleles (0.000062%); highest among the groups gnomAD compares: Non-Finnish European, 0.000085%; no homozygotes.

Submissions (3):

GeneDx
Classification: Uncertain significance. Last evaluated: 2025-08-12. Review status: criteria provided, single submitter. Criteria: GeneDx Variant Classification Process June 2021. Collection method: clinical testing. Allele origin: germline.
Comment: Not observed at significant frequency in large population cohorts (gnomAD); In silico analysis supports that this missense variant has a deleterious effect on protein structure/function; Has not been previously published as pathogenic or benign to our knowledge

3billion
Classification: Uncertain significance for Intellectual developmental disorder, autosomal dominant 57. Last evaluated: 2024-10-23. Review status: criteria provided, single submitter. Criteria: ACMG Guidelines, 2015. Collection method: clinical testing. Allele origin: germline. Affected: yes.
Comment: The variant is observed at an extremely low frequency in the gnomAD v4.1.0 dataset (total allele frequency: <0.001%). Predicted Consequence/Location: Missense variant In silico tool predictions suggest damaging effect of the variant on gene or gene product [REVEL: 0.63 (>=0.6, sensitivity 0.68 and specificity 0.92); 3Cnet: 0.82 (>=0.6, sensitivity 0.72 and precision 0.9)]. The same nucleotide change resulting in the same amino acid change has been previously reported to be associated with TLK2 related disorder (3billion dataset). However, the evidence of pathogenicity is insufficient at this time. Therefore, this variant is classified as VUS according to the recommendation of ACMG/AMP guideline.

Blueprint Genetics
Classification: Likely pathogenic for TLK2-related disorders. Last evaluated: 2024-08-28. Review status: criteria provided, single submitter. Criteria: ACMG Guidelines, 2015. Collection method: clinical testing. Allele origin: germline. Affected: yes. Observed: 1 variant allele.

NM_006852.6(TLK2):c.1550C>T (p.Ser517Leu)

Gene: TLK2 (tousled like kinase 2; plus strand). Cytogenetic location: 17q23.2.
Variant type: single nucleotide variant.
Coding change: c.1550C>T on transcript NM_006852.6 (MANE Select); coding-DNA position 1550, C replaced by T.
Protein change: p.Ser517Leu; replaces serine 517 with leucine.
Molecular consequence: missense variant.
Genome position (GRCh38, 1-based): chr17:62,596,674, C>T. VCF-style: chr17-62596674-C-T. GRCh37 (hg19) VCF-style: chr17-60674035-C-T.
Other names: c.1616C>T, p.Ser539Leu (NM_001284333.3); c.1454C>T, p.Ser485Leu (NM_001284363.1, NM_001375272.1); c.1103C>T, p.Ser368Leu (NM_001330418.3, NM_001375273.1); c.1592C>T, p.Ser531Leu (NM_001375269.1); c.1550C>T, p.Ser517Leu (NM_001375270.1, NM_001375271.1); c.1265C>T, p.Ser422Leu (NM_001411074.1); short protein forms S368L, S422L, S485L, S517L, S531L, S539L.
Identifiers: ClinVar variation 4056956 (VCV004056956.4).
Genomic context (GRCh38, chr17:62,596,674, plus strand): 5'-AAGAGCTGGATCATCCCAGAATAGTTAAGCTGTATGATTACTTTTCACTGGATACTGACT[C>T]GTAAGTGCTGTGCTGTTTTACCTTAACAGTTATATTATTTTCTTGCAATGCTGATTGTTC-3'
Protein context (NP_006843.2, residues 507-527): LYDYFSLDTD[Ser517Leu]FCTVLEYCEG